The following is an entry in ClinVar:

NM_000443.4(ABCB4):c.1765C>T (p.His589Tyr)

Gene: ABCB4 (ATP binding cassette subfamily B member 4; minus strand). Cytogenetic location: 7q21.12.
Variant type: single nucleotide variant.
Coding change: c.1765C>T on transcript NM_000443.4 (MANE Select); coding-DNA position 1765, C replaced by T.
Protein change: p.His589Tyr; replaces histidine 589 with tyrosine.
Molecular consequence: missense variant.
Genome position (GRCh38, 1-based): chr7:87,431,532, G>A on the plus strand (C>T on the coding strand, the complement: ABCB4 is on the minus strand). VCF-style: chr7-87431532-G-A. GRCh37 (hg19) VCF-style: chr7-87060848-G-A.
Other names: c.1765C>T, p.His589Tyr (NM_018849.3, NM_018850.3); short protein forms H589Y.
Identifiers: ClinVar variation 4846491 (VCV004846491.1).
Genomic context (GRCh38, chr7:87,431,532, plus strand): 5'-CAATTACTCCATCCTCAAACCCAGCGATGACATCTGCATTTCGGACCGTAGACAGTCGGT[G>A]TGCTATCACAATGGTGGTCCGGCCTTCTCTGGCCTAAAAGAACAAAAATGTGGTGCATCA-3'
Protein context (NP_000434.1, residues 579-599): REGRTTIVIA[His589Tyr]RLSTVRNADV

ClinVar aggregate classification (germline): Uncertain significance (1 of 4 stars; one submission).

Conditions:
Low phospholipid associated cholelithiasis (GBD1). Also called: Gallbladder disease 1; Gallstone cholecystitis. Identifiers: Orphanet 69663, MedGen C2609268, MONDO:0010939, OMIM 600803.

Submission:

Genomenon, Inc
Classification: Uncertain significance for Low phospholipid associated cholelithiasis. Last evaluated: 2026-04-14. Review status: criteria provided, single submitter. Criteria: Genomenon Sequence Variant Interpretation Standards - Updated. Collection method: curation. Allele origin: germline. Affected: yes.
Comment: ABCB4 p.His589Tyr (c.1765C>T) is a missense variant that changes the amino acid at residue 589 from Histidine to Tyrosine. This variant has been observed in at least one proband with an ABCB4-related disorder (PMID:23533021). At least one functional study has demonstrated a substantial alteration in protein function relative to the wild-type (PMID:36674751). It is absent or not present at a significant frequency in gnomAD. In silico models predict that this variant is possibly or probably damaging. In conclusion, we classify ABCB4 p.His589Tyr (c.1765C>T) as a variant of uncertain significance.

Literature cited by the submitters: PubMed 23533021; PubMed 36674751.